The following is an entry in ClinVar:

NM_001163809.2(WDR81):c.4541C>T (p.Ala1514Val)

Gene: WDR81 (WD repeat domain 81; plus strand). Cytogenetic location: 17p13.3.
Variant type: single nucleotide variant.
Coding change: c.4541C>T on transcript NM_001163809.2 (MANE Select); coding-DNA position 4541, C replaced by T.
Protein change: p.Ala1514Val; replaces alanine 1514 with valine.
Molecular consequence: missense variant.
Genome position (GRCh38, 1-based): chr17:1,733,578, C>T. VCF-style: chr17-1733578-C-T. GRCh37 (hg19) VCF-style: chr17-1636872-C-T.
Other names: c.932C>T, p.Ala311Val (NM_001163673.2); c.860C>T, p.Ala287Val (NM_001163811.2); c.1388C>T, p.Ala463Val (NM_152348.4); short protein forms A1514V, A287V, A311V, A463V.
Identifiers: ClinVar variation 1190423 (VCV001190423.5), dbSNP rs761871089, ClinGen allele CA8273598.
Genomic context (GRCh38, chr17:1,733,578, plus strand): 5'-CCTATCCAGGTGACATCATCCGGAAAATCATCCCCAACCACGAGCTGGTTGGGGAGCTGG[C>T]GGCGCTGTACTTGGAGAGCATCAGCCCCAGCAGTCGCAACCCTGCCAGCGTGGAGCCCAC-3'
Protein context (NP_001157281.1, residues 1504-1524): IPNHELVGEL[Ala1514Val]ALYLESISPS

ClinVar aggregate classification (germline): Uncertain significance. Review status: criteria provided, multiple submitters, no conflicts (2 of 4 stars). 2 submissions from 2 submitters: Uncertain significance (2). Last evaluated 2025-08-23.

Conditions:
Inborn genetic diseases. Identifiers: MedGen C0950123, MeSH D030342.

Allele frequency attached by ClinVar (database versions not stated): TOPMed below 0.00001; ExAC 0.00002; gnomAD exomes 0.00002.
gnomAD v4.1: 31 of 1,531,044 alleles (0.002%); highest among the groups gnomAD compares: East Asian, 0.0023%; no homozygotes.

Submissions (2):

Ambry Genetics
Classification: Uncertain significance for Inborn genetic diseases. Last evaluated: 2025-08-23. Review status: criteria provided, single submitter. Criteria: Ambry Variant Classification Scheme 2023. Collection method: clinical testing. Allele origin: germline.

GeneDx
Classification: Uncertain significance. Last evaluated: 2025-04-17. Review status: criteria provided, single submitter. Criteria: GeneDx Variant Classification Process June 2021. Collection method: clinical testing. Allele origin: germline. Affected: yes.
Comment: Has not been previously published as pathogenic or benign to our knowledge; In silico analysis supports that this missense variant has a deleterious effect on protein structure/function; Not observed at significant frequency in large population cohorts (gnomAD)